The following is an entry in ClinVar:

ClinVar aggregate classification (germline): Uncertain significance (1 of 4 stars; one submission).

Submission:

Women's Health and Genetics/Laboratory Corporation of America, LabCorp
Classification: Uncertain significance. Last evaluated: 2018-01-23. Review status: criteria provided, single submitter. Criteria: LabCorp Variant Classification Summary - May 2015. Collection method: clinical testing. Allele origin: germline.
Comment: Variant summary: The CFTR c.53+34_53+35delAC variant involves deletion of two adjacent intronic nucleotides. One in silico tool predicts a damaging outcome for this variant. 5/5 splice prediction tools predict no significant impact on normal splicing. ESE finder predicts that this variant may affect ESE sites. However, these predictions have yet to be confirmed by functional studies. This variant was found in 4/275726 control chromosomes at a frequency of 0.0000145, which does not exceed the estimated maximal expected allele frequency of a pathogenic CFTR variant (0.0129603). The variant of interest has not, to our knowledge, been reported in affected individuals via publications and/or reputable databases/clinical diagnostic laboratories; nor evaluated for functional impact by in vivo/vitro studies. Because of the absence of clinical information and the lack of functional studies, the variant is classified as a variant of uncertain significance (VUS) until additional information becomes available.

NM_000492.4(CFTR):c.53+34_53+35del

Gene: CFTR (CF transmembrane conductance regulator; plus strand). Cytogenetic location: 7q31.2.
Variant type: Microsatellite.
Coding change: c.53+34_53+35del on transcript NM_000492.4 (MANE Select); bases 34 to 35 of the intron after coding-DNA position 53, 2 bases deleted (AC; older notation c.53+34_53+35delAC).
Molecular consequence: intron variant.
Genome position (GRCh38, 1-based): chr7:117,480,181-117,480,182, AC deleted; deleting any 2 consecutive bases within chr7:117,480,179-117,480,182 gives the same sequence; the c. name uses the placement nearest the transcript's 3' end. VCF-style (leftmost placement, unchanged base first): chr7-117480178-GAC-G. GRCh37 (hg19) VCF-style: chr7-117120232-GAC-G.
Other names: c.53+34_53+35delAC (NM_000492.3).
Identifiers: ClinVar variation 633155 (VCV000633155.1), dbSNP rs762372419, ClinGen allele CA4450613.
Genomic context (GRCh38, chr7:117,480,178, plus strand): 5'-GGCCAGCGTTGTCTCCAAACTTTTTTTCAGGTGAGAAGGTGGCCAACCGAGCTTCGGAAA[GAC>G]ACGTGCCCACGAAAGAGGAGGGCGTGTGTATGGGTTGGGTTTGGGGTAAAGGAATAAGCA-3'